The following is an entry in ClinVar:

ClinVar aggregate classification (germline): Uncertain significance. Review status: criteria provided, multiple submitters, no conflicts (2 of 4 stars). 2 submissions from 2 submitters: Uncertain significance (2). Last evaluated 2022-07-12.

Conditions:
Hypotonia, infantile, with psychomotor retardation and characteristic facies 2 (IHPRF2). Also called: UNC80 Deficiency. Identifiers: Orphanet 371364, Orphanet 700333, MedGen C4225203, MONDO:0014777, OMIM 616801.

gnomAD v4.1: 3 of 1,551,782 alleles (0.00019%); highest among the groups gnomAD compares: Non-Finnish European, 0.00026%; no homozygotes.

Submissions (2):

Labcorp Genetics (formerly Invitae), Labcorp
Classification: Uncertain significance. Last evaluated: 2022-07-12. Review status: criteria provided, single submitter. Criteria: Invitae Variant Classification Sherloc (09022015). Collection method: clinical testing. Allele origin: germline.
Comment: This sequence change replaces arginine, which is basic and polar, with histidine, which is basic and polar, at codon 1807 of the UNC80 protein (p.Arg1807His). This variant is not present in population databases (gnomAD no frequency). This variant has not been reported in the literature in individuals affected with UNC80-related conditions. ClinVar contains an entry for this variant (Variation ID: 801864). Algorithms developed to predict the effect of missense changes on protein structure and function are either unavailable or do not agree on the potential impact of this missense change (SIFT: "Not Available"; PolyPhen-2: "Probably Damaging"; Align-GVGD: "Not Available"). In summary, the available evidence is currently insufficient to determine the role of this variant in disease. Therefore, it has been classified as a Variant of Uncertain Significance.

Mendelics
Classification: Uncertain significance for Hypotonia, infantile, with psychomotor retardation and characteristic facies 2. Last evaluated: 2019-05-28. Review status: criteria provided, single submitter. Criteria: Mendelics Assertion Criteria 2017. Collection method: clinical testing. Allele origin: unknown.

NM_001371986.1(UNC80):c.5618G>A (p.Arg1873His)

Gene: UNC80 (unc-80 subunit of NALCN channel complex; plus strand). Cytogenetic location: 2q34.
Variant type: single nucleotide variant.
Coding change: c.5618G>A on transcript NM_001371986.1 (MANE Select); coding-DNA position 5618, G replaced by A.
Protein change: p.Arg1873His; replaces arginine 1873 with histidine.
Molecular consequence: missense variant.
Genome position (GRCh38, 1-based): chr2:209,922,339, G>A. VCF-style: chr2-209922339-G-A. GRCh37 (hg19) VCF-style: chr2-210787063-G-A.
Other names: c.5420G>A, p.Arg1807His (NM_032504.2); c.5405G>A, p.Arg1802His (NM_182587.4); short protein forms R1802H, R1807H, R1873H.
Identifiers: ClinVar variation 801864 (VCV000801864.4), dbSNP rs1051195562, ClinGen allele CA65040621.